The following is an entry in ClinVar:

ClinVar aggregate classification (germline): Pathogenic/Likely pathogenic. Review status: criteria provided, multiple submitters, no conflicts (2 of 4 stars). 3 submissions from 3 submitters: Pathogenic (1); Likely pathogenic (2). Last evaluated 2024-04-23.

Conditions:
GRACILE syndrome (FLNMS). Also called: FELLMAN SYNDROME; FINNISH LETHAL NEONATAL METABOLIC SYNDROME. Identifiers: Orphanet 53693, MedGen C1864002, MONDO:0011308, OMIM 603358.
Mitochondrial complex III deficiency nuclear type 1. Identifiers: Orphanet 254902, MedGen C3541471, MONDO:0007415, OMIM 124000.
Pili torti-deafness syndrome (BJS). Also called: Bjornstad syndrome; PILI TORTI AND NERVE DEAFNESS. Identifiers: Orphanet 123, MedGen C0266006, MONDO:0009872, OMIM 262000.

Allele frequency attached by ClinVar (database versions not stated): gnomAD exomes below 0.00001 and 0.00001; ExAC 0.00001; gnomAD 0.00001; TOPMed 0.00001.
gnomAD v4.1: 20 of 1,614,080 alleles (0.0012%); highest among the groups gnomAD compares: Non-Finnish European, 0.0017%; no homozygotes.

Submissions (3):

Fulgent Genetics
Classification: Likely pathogenic for Mitochondrial complex III deficiency nuclear type 1; Pili torti-deafness syndrome; GRACILE syndrome. Last evaluated: 2024-04-23. Review status: criteria provided, single submitter. Criteria: ACMG Guidelines, 2015. Collection method: clinical testing. Allele origin: germline.

Labcorp Genetics (formerly Invitae), Labcorp
Classification: Pathogenic. Last evaluated: 2023-06-07. Review status: criteria provided, single submitter. Criteria: Invitae Variant Classification Sherloc (09022015). Collection method: clinical testing. Allele origin: germline.
Comment: This sequence change creates a premature translational stop signal (p.Trp176*) in the BCS1L gene. It is expected to result in an absent or disrupted protein product. Loss-of-function variants in BCS1L are known to be pathogenic (PMID: 12215968, 17314340, 19162478, 19508421, 22277166, 25895478). This variant is present in population databases (rs762980642, gnomAD 0.0009%). This variant has not been reported in the literature in individuals affected with BCS1L-related conditions. ClinVar contains an entry for this variant (Variation ID: 967029). For these reasons, this variant has been classified as Pathogenic.

Baylor Genetics
Classification: Likely pathogenic for Pili torti-deafness syndrome. Last evaluated: 2022-04-27. Review status: criteria provided, single submitter. Criteria: ACMG Guidelines, 2015. Collection method: clinical testing. Allele origin: unknown.

Literature cited by the submitters: PubMed 12215968 (cited by Labcorp Genetics (formerly Invitae), Labcorp); PubMed 17314340 (cited by Labcorp Genetics (formerly Invitae), Labcorp); PubMed 19162478 (cited by Labcorp Genetics (formerly Invitae), Labcorp); PubMed 19508421 (cited by Labcorp Genetics (formerly Invitae), Labcorp); PubMed 22277166 (cited by Labcorp Genetics (formerly Invitae), Labcorp); PubMed 25895478 (cited by Labcorp Genetics (formerly Invitae), Labcorp).

NM_001079866.2(BCS1L):c.528G>A (p.Trp176Ter)

Gene: BCS1L (BCS1 ubiquinol-cytochrome c reductase complex chaperone; plus strand). Cytogenetic location: 2q35.
Variant type: single nucleotide variant.
Coding change: c.528G>A on transcript NM_001079866.2 (MANE Select); coding-DNA position 528, G replaced by A.
Protein change: p.Trp176Ter; replaces tryptophan 176 with a stop codon.
Molecular consequence: nonsense. On other transcripts: non-coding transcript variant (1).
Genome position (GRCh38, 1-based): chr2:218,661,826, G>A. VCF-style: chr2-218661826-G-A. GRCh37 (hg19) VCF-style: chr2-219526549-G-A.
Other names: c.528G>A, p.Trp176Ter (NM_001257342.2, NM_001257343.2, NM_001257344.2 and 10 more transcripts); c.168G>A, p.Trp56Ter (NM_001318836.2, NM_001371451.1); c.27G>A, p.Trp9Ter (NM_001371452.1, NM_001371453.1, NM_001371454.1 and 3 more transcripts); short protein forms W176*, W56*, W9*.
Identifiers: ClinVar variation 967029 (VCV000967029.10), dbSNP rs762980642, ClinGen allele CA2109689.
Genomic context (GRCh38, chr2:218,661,826, plus strand): 5'-GCTAGCCTTGCAGCAGGAGGAAGGGAAGACCGTGATGTACACAGCTGTGGGCTCTGAATG[G>A]CGTCCCTTTGGCTATCCACGCCGCCGGCGACCACTGAATTCTGTGGTTCTACAACAGGGT-3'